The following is an entry in ClinVar:

ClinVar aggregate classification (germline): Pathogenic (1 of 4 stars; one submission).

Conditions:
Hereditary cancer-predisposing syndrome. Also called: Hereditary neoplastic syndrome; Hereditary Cancer Syndrome; Neoplastic Syndromes, Hereditary; Tumor predisposition. Identifiers: Orphanet 140162, MedGen C0027672, MeSH D009386, MONDO:0015356.

Submission:

Ambry Genetics
Classification: Pathogenic for Hereditary cancer-predisposing syndrome. Last evaluated: 2026-08-27. Review status: criteria provided, single submitter. Criteria: Ambry Variant Classification Scheme 2023. Collection method: clinical testing. Allele origin: germline.
Comment: The c.5527G>A pathogenic mutation (also known as p.E1843K), located in coding exon 24 of the DICER1 gene, results from a G to A substitution at nucleotide position 5527. The amino acid change results in glutamic acid to lysine at codon 1843, an amino acid with similar properties. However, this change occurs in the last base pair of coding exon 24, which makes it likely to have some effect on normal mRNA splicing. This variant is considered to be rare based on population cohorts in the Genome Aggregation Database (gnomAD). This nucleotide position is highly conserved in available vertebrate species. In silico splice site analysis predicts that this alteration will weaken the native splice donor site and may result in the creation or strengthening of a novel splice donor site. RNA studies have demonstrated that this alteration results in abnormal splicing in the set of samples tested (Ambry internal data). This alteration has been observed in at least one individual with a personal and/or family history that is consistent with DICER1-related disease (Ambry internal data). Based on the supporting evidence, this alteration is interpreted as a disease-causing mutation.

NM_177438.3(DICER1):c.5527G>A (p.Glu1843Lys)

Gene: DICER1 (dicer 1, ribonuclease III; minus strand). Cytogenetic location: 14q32.13.
Variant type: single nucleotide variant.
Coding change: c.5527G>A on transcript NM_177438.3 (MANE Select); coding-DNA position 5527, G replaced by A.
Protein change: p.Glu1843Lys; replaces glutamic acid 1843 with lysine.
Molecular consequence: missense variant. On other transcripts: non-coding transcript variant (6), intron variant (1).
Genome position (GRCh38, 1-based): chr14:95,091,203, C>T on the plus strand (G>A on the coding strand, the complement: DICER1 is on the minus strand). VCF-style: chr14-95091203-C-T. GRCh37 (hg19) VCF-style: chr14-95557540-C-T.
Other names: c.5527G>A, p.Glu1843Lys (NM_001271282.3, NM_001291628.2, NM_001395677.1 and 8 more transcripts); c.5245G>A, p.Glu1749Lys (NM_001395686.1); c.5122G>A, p.Glu1708Lys (NM_001395687.1, NM_001395688.1, NM_001395689.1 and 1 more transcripts); c.4960G>A, p.Glu1654Lys (NM_001395691.1); c.3844G>A, p.Glu1282Lys (NM_001395697.1); c.5365-94G>A (NM_001195573.1); short protein forms E1654K, E1843K, E1708K, E1749K, E1282K.
Identifiers: ClinVar variation 2586389 (VCV002586389.3), dbSNP rs2139775781, ClinGen allele CA390864461.